The following is an entry in ClinVar:

NM_004525.3(LRP2):c.1639A>G (p.Asn547Asp)

Gene: LRP2 (LDL receptor related protein 2; minus strand). Cytogenetic location: 2q31.1.
Variant type: single nucleotide variant.
Coding change: c.1639A>G on transcript NM_004525.3 (MANE Select); coding-DNA position 1639, A replaced by G.
Protein change: p.Asn547Asp; replaces asparagine 547 with aspartic acid.
Molecular consequence: missense variant.
Genome position (GRCh38, 1-based): chr2:169,277,878, T>C on the plus strand (A>G on the coding strand, the complement: LRP2 is on the minus strand). VCF-style: chr2-169277878-T-C. GRCh37 (hg19) VCF-style: chr2-170134388-T-C.
Other names: c.1639A>G (NM_004525.2); short protein forms N547D.
Identifiers: ClinVar variation 281918 (VCV000281918.11), dbSNP rs145094511, ClinGen allele CA1955507.

ClinVar aggregate classification (germline): Uncertain significance. Review status: criteria provided, multiple submitters, no conflicts (2 of 4 stars). 5 submissions from 5 submitters: Uncertain significance (5). Last evaluated 2025-07-24.

Conditions:
Donnai-Barrow syndrome. Also called: DBS/FOAR SYNDROME; FACIOOCULOACOUSTICORENAL SYNDROME. Identifiers: Orphanet 2143, MedGen C1857277, MONDO:0009104, OMIM 222448.

Allele frequency attached by ClinVar (database versions not stated): gnomAD exomes 0.00001 and 0.00003; ExAC 0.00004; gnomAD 0.00021 and 0.00024; ESP Exome Variant Server 0.00023; TOPMed 0.00024.
gnomAD v4.1: 48 of 1,614,178 alleles (0.003%); highest among the groups gnomAD compares: African/African-American, 0.057%; no homozygotes.

Submissions (5):

GeneDx
Classification: Uncertain significance. Last evaluated: 2025-07-24. Review status: criteria provided, single submitter. Criteria: GeneDx Variant Classification Process June 2021. Collection method: clinical testing. Allele origin: germline.
Comment: In silico analysis supports that this missense variant has a deleterious effect on protein structure/function; Has not been previously published as pathogenic or benign to our knowledge

Blueprint Genetics
Classification: Uncertain significance. Last evaluated: 2024-07-25. Review status: criteria provided, single submitter. Criteria: ACMG Guidelines, 2015. Collection method: clinical testing. Allele origin: germline.

Fulgent Genetics
Classification: Uncertain significance for Donnai-Barrow syndrome. Last evaluated: 2024-05-15. Review status: criteria provided, single submitter. Criteria: ACMG Guidelines, 2015. Collection method: clinical testing. Allele origin: germline.

Labcorp Genetics (formerly Invitae), Labcorp
Classification: Uncertain significance. Last evaluated: 2022-08-19. Review status: criteria provided, single submitter. Criteria: Invitae Variant Classification Sherloc (09022015). Collection method: clinical testing. Allele origin: germline.
Comment: This sequence change replaces asparagine, which is neutral and polar, with aspartic acid, which is acidic and polar, at codon 547 of the LRP2 protein (p.Asn547Asp). This variant is present in population databases (rs145094511, gnomAD 0.05%). This variant has not been reported in the literature in individuals affected with LRP2-related conditions. ClinVar contains an entry for this variant (Variation ID: 281918). Algorithms developed to predict the effect of missense changes on protein structure and function are either unavailable or do not agree on the potential impact of this missense change (SIFT: "Tolerated"; PolyPhen-2: "Possibly Damaging"; Align-GVGD: "Class C0"). In summary, the available evidence is currently insufficient to determine the role of this variant in disease. Therefore, it has been classified as a Variant of Uncertain Significance.

Eurofins Ntd Llc (ga)
Classification: Uncertain significance. Last evaluated: 2015-07-27. Review status: criteria provided, single submitter. Criteria: EGL Classification Definitions 2015. Collection method: clinical testing. Allele origin: germline.